The following is an entry in ClinVar:

NM_012144.4(DNAI1):c.2074G>C (p.Val692Leu)

Gene: DNAI1 (dynein axonemal intermediate chain 1; plus strand). Cytogenetic location: 9p13.3.
Variant type: single nucleotide variant.
Coding change: c.2074G>C on transcript NM_012144.4 (MANE Select); coding-DNA position 2074, G replaced by C.
Protein change: p.Val692Leu; replaces valine 692 with leucine.
Molecular consequence: missense variant.
Genome position (GRCh38, 1-based): chr9:34,520,730, G>C. VCF-style: chr9-34520730-G-C. GRCh37 (hg19) VCF-style: chr9-34520728-G-C.
Other names: c.2086G>C, p.Val696Leu (NM_001281428.2); short protein forms V692L, V696L.
Identifiers: ClinVar variation 2448439 (VCV002448439.2), dbSNP rs1433242022, ClinGen allele CA373269010.

ClinVar aggregate classification (germline): Uncertain significance (1 of 4 stars; one submission).

Conditions:
Primary ciliary dyskinesia. Also called: Ciliary dyskinesia. Identifiers: Orphanet 244, MedGen C0008780, MONDO:0016575, HP:0012265.

Allele frequency attached by ClinVar (database versions not stated): gnomAD 0.00001.
gnomAD v4.1: 3 of 1,551,582 alleles (0.00019%); highest among the groups gnomAD compares: Non-Finnish European, 0.00026%; no homozygotes.

Submission:

Ambry Genetics
Classification: Uncertain significance for Primary ciliary dyskinesia. Last evaluated: 2023-02-26. Review status: criteria provided, single submitter. Criteria: Ambry Variant Classification Scheme 2023. Collection method: clinical testing. Allele origin: germline.
Comment: The p.V692L variant (also known as c.2074G>C), located in coding exon 20 of the DNAI1 gene, results from a G to C substitution at nucleotide position 2074. The valine at codon 692 is replaced by leucine, an amino acid with highly similar properties. This amino acid position is conserved. In addition, this alteration is predicted to be tolerated by in silico analysis. Since supporting evidence is limited at this time, the clinical significance of this alteration remains unclear.